The following is an entry in ClinVar:

ClinVar aggregate classification (germline): Uncertain significance (1 of 4 stars; one submission).

gnomAD v4.1: 1 of 1,608,578 alleles (0.000062%); highest among the groups gnomAD compares: Non-Finnish European, 0.000085%; no homozygotes.

Submission:

Ambry Genetics
Classification: Uncertain significance. Last evaluated: 2026-01-03. Review status: criteria provided, single submitter. Criteria: Ambry Variant Classification Scheme 2023. Collection method: clinical testing. Allele origin: germline.
Comment: The p.I308V variant (also known as c.922A>G), located in coding exon 7 of the RECQL gene, results from an A to G substitution at nucleotide position 922. The isoleucine at codon 308 is replaced by valine, an amino acid with highly similar properties. This amino acid position is conserved. In addition, the in silico prediction for this alteration is inconclusive. Based on the available evidence, the clinical significance of this variant remains unclear.

NM_002907.4(RECQL):c.922A>G (p.Ile308Val)

Gene: RECQL (RecQ like helicase; minus strand). Cytogenetic location: 12p12.1.
Variant type: single nucleotide variant.
Coding change: c.922A>G on transcript NM_002907.4 (MANE Select); coding-DNA position 922, A replaced by G.
Protein change: p.Ile308Val; replaces isoleucine 308 with valine.
Molecular consequence: missense variant.
Genome position (GRCh38, 1-based): chr12:21,476,938, T>C on the plus strand (A>G on the coding strand, the complement: RECQL is on the minus strand). VCF-style: chr12-21476938-T-C. GRCh37 (hg19) VCF-style: chr12-21629872-T-C.
Other names: c.922A>G, p.Ile308Val (NM_032941.3); short protein forms I308V.
Identifiers: ClinVar variation 4842798 (VCV004842798.1).